The following is an entry in ClinVar:

NM_001330260.2(SCN8A):c.3761A>G (p.Tyr1254Cys)

Gene: SCN8A (sodium voltage-gated channel alpha subunit 8; plus strand). Cytogenetic location: 12q13.13.
Variant type: single nucleotide variant.
Coding change: c.3761A>G on transcript NM_001330260.2 (MANE Select); coding-DNA position 3761, A replaced by G.
Protein change: p.Tyr1254Cys; replaces tyrosine 1254 with cysteine.
Molecular consequence: missense variant.
Genome position (GRCh38, 1-based): chr12:51,774,304, A>G. VCF-style: chr12-51774304-A-G. GRCh37 (hg19) VCF-style: chr12-52168088-A-G.
Other names: c.3761A>G, p.Tyr1254Cys (NM_001177984.3, NM_001369788.1, NM_014191.4); short protein forms Y1254C.
Identifiers: ClinVar variation 1063506 (VCV001063506.10), dbSNP rs1199744177, ClinGen allele CA384899424.

ClinVar aggregate classification (germline): Uncertain significance. Review status: criteria provided, multiple submitters, no conflicts (2 of 4 stars). 2 submissions from 2 submitters: Uncertain significance (2). Last evaluated 2023-03-30.

Conditions:
Early-infantile DEE. Also called: Ohtahara syndrome; Early infantile epileptic encephalopathy with suppression bursts; Early infantile epileptic encephalopathy. Identifiers: Orphanet 1934, MedGen C0393706, MONDO:0800491.

Allele frequency attached by ClinVar (database versions not stated): TOPMed below 0.00001; gnomAD 0.00001.
gnomAD v4.1: 1 of 1,613,768 alleles (0.000062%); highest among the groups gnomAD compares: Non-Finnish European, 0.000085%; no homozygotes.

Submissions (2):

Revvity Omics, Revvity
Classification: Uncertain significance. Last evaluated: 2023-03-30. Review status: criteria provided, single submitter. Criteria: ACMG Guidelines, 2015. Collection method: clinical testing. Allele origin: germline.

Labcorp Genetics (formerly Invitae), Labcorp
Classification: Uncertain significance for Early-infantile DEE. Last evaluated: 2022-11-08. Review status: criteria provided, single submitter. Criteria: Invitae Variant Classification Sherloc (09022015). Collection method: clinical testing. Allele origin: germline.
Comment: This variant is not present in population databases (gnomAD no frequency). This sequence change replaces tyrosine, which is neutral and polar, with cysteine, which is neutral and slightly polar, at codon 1254 of the SCN8A protein (p.Tyr1254Cys). This variant has not been reported in the literature in individuals affected with SCN8A-related conditions. Advanced modeling of protein sequence and biophysical properties (such as structural, functional, and spatial information, amino acid conservation, physicochemical variation, residue mobility, and thermodynamic stability) performed at Invitae indicates that this missense variant is expected to disrupt SCN8A protein function. ClinVar contains an entry for this variant (Variation ID: 1063506). In summary, the available evidence is currently insufficient to determine the role of this variant in disease. Therefore, it has been classified as a Variant of Uncertain Significance.